The following is an entry in ClinVar:

NM_024915.4(GRHL2):c.727A>G (p.Thr243Ala)

Gene: GRHL2 (grainyhead like transcription factor 2; plus strand). Cytogenetic location: 8q22.3.
Variant type: single nucleotide variant.
Coding change: c.727A>G on transcript NM_024915.4 (MANE Select); coding-DNA position 727, A replaced by G.
Protein change: p.Thr243Ala; replaces threonine 243 with alanine.
Molecular consequence: missense variant.
Genome position (GRCh38, 1-based): chr8:101,570,387, A>G. VCF-style: chr8-101570387-A-G. GRCh37 (hg19) VCF-style: chr8-102582615-A-G.
Other names: c.679A>G, p.Thr227Ala (NM_001330593.2); short protein forms T227A, T243A.
Identifiers: ClinVar variation 3358257 (VCV003358257.2).

ClinVar aggregate classification (germline): Uncertain significance. Review status: criteria provided, single submitter (1 of 4 stars). 2 submissions from 2 submitters: Uncertain significance (1). 1 of the submissions does not count toward it. Last evaluated 2025-05-17.

Conditions:
GRHL2-related disorder. Also called: GRHL2-related condition; GRHL2-related disorders.
Inborn genetic diseases. Identifiers: MedGen C0950123, MeSH D030342.

gnomAD v4.1: 146 of 1,613,642 alleles (0.009%); highest among the groups gnomAD compares: Non-Finnish European, 0.012%; no homozygotes.

Submissions (2):

Ambry Genetics
Classification: Uncertain significance for Inborn genetic diseases. Last evaluated: 2025-05-17. Review status: criteria provided, single submitter. Criteria: Ambry Variant Classification Scheme 2023. Collection method: clinical testing. Allele origin: germline.

PreventionGenetics, part of Exact Sciences
Classification: Uncertain significance for GRHL2-related condition. Last evaluated: 2024-03-19. Review status: no assertion criteria provided. Collection method: clinical testing. Allele origin: germline. Not counted in ClinVar's aggregate classification.
Comment: The GRHL2 c.727A>G variant is predicted to result in the amino acid substitution p.Thr243Ala. To our knowledge, this variant has not been reported in the literature. This variant is reported in 0.0054% of alleles in individuals of European (Non-Finnish) descent in gnomAD. At this time, the clinical significance of this variant is uncertain due to the absence of conclusive functional and genetic evidence.